The following is an entry in ClinVar:

NM_004840.3(ARHGEF6):c.2240G>C (p.Arg747Thr)

Gene: ARHGEF6 (Rac/Cdc42 guanine nucleotide exchange factor 6; minus strand). Cytogenetic location: Xq26.3.
Variant type: single nucleotide variant.
Coding change: c.2240G>C on transcript NM_004840.3 (MANE Select); coding-DNA position 2240, G replaced by C.
Protein change: p.Arg747Thr; replaces arginine 747 with threonine.
Molecular consequence: missense variant.
Genome position (GRCh38, 1-based): chrX:136,668,120, C>G on the plus strand (G>C on the coding strand, the complement: ARHGEF6 is on the minus strand). VCF-style: chrX-136668120-C-G. GRCh37 (hg19) VCF-style: chrX-135750279-C-G.
Other names: c.1778G>C, p.Arg593Thr (NM_001306177.2); short protein forms R747T, R593T.
Identifiers: ClinVar variation 429555 (VCV000429555.2), dbSNP rs1131691451, ClinGen allele CA414757611.
Genomic context (GRCh38, chrX:136,668,120, plus strand): 5'-TCGCCTCGAATACACTCATCTGTTTGCTTCAAAAGCCTCCGCACCAGCTTTTCTAGGTCC[C>G]TTCTTGATTTCAGTTCTTCTTCCAGGCATTGCTTCATTCTTTTATTTTCCTATGATGGGG-3'
Protein context (NP_004831.1, residues 737-757): QCLEEELKSR[Arg747Thr]DLEKLVRRLL

ClinVar aggregate classification (germline): Uncertain significance (1 of 4 stars; one submission).

Allele frequency attached by ClinVar (database versions not stated): gnomAD exomes 0.00001; gnomAD 0.00005.
gnomAD v4.1: 4 of 1,211,628 alleles (0.00033%); highest among the groups gnomAD compares: Non-Finnish European, 0.00034%; no homozygotes.

Submission:

GeneDx
Classification: Uncertain significance. Last evaluated: 2017-05-11. Review status: criteria provided, single submitter. Criteria: GeneDx Variant Classification (06012015). Collection method: clinical testing. Allele origin: germline. Affected: yes.
Comment: The R747T variant in the ARHGEF6 gene has not been reported previously as a pathogenic variant, nor as a benign variant, to our knowledge. The R747T variant is not observed in large population cohorts (Lek et al., 2016; 1000 Genomes Consortium et al., 2015; Exome Variant Server). The R747T variant is a semi-conservative amino acid substitution, which may impact secondary protein structure as these residues differ in some properties. This substitution occurs at a position where amino acids with similar properties to Arginine are tolerated across species. In silico analysis is inconsistent in its predictions as to whether or not the variant is damaging to the protein structure/function. We interpret R747T as a variant of uncertain significance.